The following is an entry in ClinVar:

NM_000377.3(WAS):c.1391A>G (p.Glu464Gly)

Gene: WAS (WASP actin nucleation promoting factor; plus strand). Cytogenetic location: Xp11.23.
Variant type: single nucleotide variant.
Coding change: c.1391A>G on transcript NM_000377.3 (MANE Select); coding-DNA position 1391, A replaced by G.
Protein change: p.Glu464Gly; replaces glutamic acid 464 with glycine.
Molecular consequence: missense variant.
Genome position (GRCh38, 1-based): chrX:48,689,372, A>G. VCF-style: chrX-48689372-A-G. GRCh37 (hg19) VCF-style: chrX-48547761-A-G.
Other names: short protein forms E464G.
Identifiers: ClinVar variation 945050 (VCV000945050.9), dbSNP rs2062432588, ClinGen allele CA412873883.
Genomic context (GRCh38, chrX:48,689,372, plus strand): 5'-TGCTGCAGACCCCTGGGGCCCCAGAGAGCTCAGCGCTGCAGCCACCACCTCAGAGCTCAG[A>G]GGGACTGGTGGGGGCCCTGATGCACGTGATGCAGAAGAGAAGCAGAGCCATCCACTCCTC-3'
Protein context (NP_000368.1, residues 454-474): SALQPPPQSS[Glu464Gly]GLVGALMHVM

ClinVar aggregate classification (germline): Uncertain significance. Review status: criteria provided, multiple submitters, no conflicts (2 of 4 stars). 2 submissions from 2 submitters: Uncertain significance (2). Last evaluated 2023-10-13.

Conditions:
Thrombocytopenia 1. Also called: X-Linked Thrombocytopenia (XLT); THROMBOCYTOPENIA, X-LINKED, 1; X-linked thrombocytopenia with normal platelets. Identifiers: Orphanet 268322, Orphanet 852, MedGen C1839163, MONDO:0010743, OMIM 313900.
X-linked severe congenital neutropenia (SCNX). Identifiers: Orphanet 86788, MedGen C1845987, MONDO:0010294, OMIM 300299.
Wiskott-Aldrich syndrome (WAS). Also called: ALDRICH SYNDROME; IMMUNODEFICIENCY 2; WISKOTT-ALDRICH SYNDROME 1; Wiskott-aldrich syndrome, somatic. Identifiers: Orphanet 906, MedGen C0043194, MONDO:0010518, OMIM 301000.

Allele frequency attached by ClinVar (database versions not stated): gnomAD exomes below 0.00001.
gnomAD v4.1: 4 of 1,209,967 alleles (0.00033%); highest among the groups gnomAD compares: Non-Finnish European, 0.00045%; no homozygotes.

Submissions (2):

Labcorp Genetics (formerly Invitae), Labcorp
Classification: Uncertain significance for Wiskott-Aldrich syndrome; X-linked severe congenital neutropenia; Thrombocytopenia 1. Last evaluated: 2023-10-13. Review status: criteria provided, single submitter. Criteria: Invitae Variant Classification Sherloc (09022015). Collection method: clinical testing. Allele origin: germline.
Comment: This sequence change replaces glutamic acid, which is acidic and polar, with glycine, which is neutral and non-polar, at codon 464 of the WAS protein (p.Glu464Gly). This variant is not present in population databases (gnomAD no frequency). This variant has not been reported in the literature in individuals affected with WAS-related conditions. ClinVar contains an entry for this variant (Variation ID: 945050). Advanced modeling of protein sequence and biophysical properties (such as structural, functional, and spatial information, amino acid conservation, physicochemical variation, residue mobility, and thermodynamic stability) performed at Invitae indicates that this missense variant is not expected to disrupt WAS protein function. In summary, the available evidence is currently insufficient to determine the role of this variant in disease. Therefore, it has been classified as a Variant of Uncertain Significance.

Fulgent Genetics
Classification: Uncertain significance for X-linked severe congenital neutropenia; Wiskott-Aldrich syndrome; Thrombocytopenia 1. Last evaluated: 2021-12-16. Review status: criteria provided, single submitter. Criteria: ACMG Guidelines, 2015. Collection method: clinical testing. Allele origin: unknown.